The following is an entry in ClinVar:

NM_000417.3(IL2RA):c.777C>A (p.Leu259=)

Gene: IL2RA (interleukin 2 receptor subunit alpha; minus strand). Cytogenetic location: 10p15.1.
Variant type: single nucleotide variant.
Coding change: c.777C>A on transcript NM_000417.3 (MANE Select); coding-DNA position 777, C replaced by A.
Protein change: p.Leu259=; no amino-acid change (leucine 259 retained).
Molecular consequence: synonymous variant.
Genome position (GRCh38, 1-based): chr10:6,018,070, G>T on the plus strand (C>A on the coding strand, the complement: IL2RA is on the minus strand). VCF-style: chr10-6018070-G-T. GRCh37 (hg19) VCF-style: chr10-6060033-G-T.
Other names: p.Leu259=; c.561C>A, p.Leu187= (NM_001308242.2); c.489C>A, p.Leu163= (NM_001308243.2).
Identifiers: ClinVar variation 710776 (VCV000710776.17), dbSNP rs554680869, ClinGen allele CA5397307.

ClinVar aggregate classification (germline): Conflicting classifications of pathogenicity. Review status: criteria provided, conflicting classifications (1 of 4 stars). 4 submissions from 4 submitters: Uncertain significance (1); Likely benign (3). Last evaluated 2025-11-11.

Conditions:
Immunodeficiency due to CD25 deficiency. Also called: IMMUNODEFICIENCY 41 WITH LYMPHOPROLIFERATION AND AUTOIMMUNITY; CD25 DEFICIENCY; IL2RA DEFICIENCY. Identifiers: Orphanet 169100, MedGen C1853392, MONDO:0011664, OMIM 606367.

Allele frequency attached by ClinVar (database versions not stated): ExAC 0.00005; TOPMed 0.00010; 1000 Genomes Project 30x 0.00031; 1000 Genomes Project 0.00040.
gnomAD v4.1: 84 of 1,613,934 alleles (0.0052%); highest among the groups gnomAD compares: Admixed American, 0.063%; no homozygotes.

Submissions (4):

Labcorp Genetics (formerly Invitae), Labcorp
Classification: Likely benign for Immunodeficiency due to CD25 deficiency. Last evaluated: 2025-11-11. Review status: criteria provided, single submitter. Criteria: Invitae Variant Classification Sherloc (09022015). Collection method: clinical testing. Allele origin: germline.

Mayo Clinic Laboratories, Mayo Clinic
Classification: Likely benign. Last evaluated: 2025-09-04. Review status: criteria provided, single submitter. Criteria: ACMG Guidelines, 2015. Collection method: clinical testing. Allele origin: germline. Observed: 1 variant allele.
Comment: BP4, BP7, PM2_supporting

Blueprint Genetics
Classification: Likely benign. Last evaluated: 2024-02-23. Review status: criteria provided, single submitter. Criteria: ACMG Guidelines, 2015. Collection method: clinical testing. Allele origin: germline.

Illumina Laboratory Services, Illumina
Classification: Uncertain significance for Immunodeficiency due to CD25 deficiency. Last evaluated: 2018-01-12. Review status: criteria provided, single submitter. Criteria: ICSL Variant Classification Criteria 13 December 2019. Collection method: clinical testing. Allele origin: germline.